The following is an entry in ClinVar:

NM_031942.5(CDCA7):c.950T>C (p.Ile317Thr)

Gene: CDCA7 (cell division cycle associated 7; plus strand). Cytogenetic location: 2q31.1.
Variant type: single nucleotide variant.
Coding change: c.950T>C on transcript NM_031942.5 (MANE Select); coding-DNA position 950, T replaced by C.
Protein change: p.Ile317Thr; replaces isoleucine 317 with threonine.
Molecular consequence: missense variant.
Genome position (GRCh38, 1-based): chr2:173,365,507, T>C. VCF-style: chr2-173365507-T-C. GRCh37 (hg19) VCF-style: chr2-174230235-T-C.
Other names: c.713T>C, p.Ile238Thr (NM_145810.3); short protein forms I238T, I317T.
Identifiers: ClinVar variation 1392007 (VCV001392007.3), dbSNP rs2106391897, ClinGen allele CA349329625.

ClinVar aggregate classification (germline): Uncertain significance (1 of 4 stars; one submission).

Submission:

Labcorp Genetics (formerly Invitae), Labcorp
Classification: Uncertain significance. Last evaluated: 2022-07-25. Review status: criteria provided, single submitter. Criteria: Invitae Variant Classification Sherloc (09022015). Collection method: clinical testing. Allele origin: germline.
Comment: This sequence change replaces isoleucine, which is neutral and non-polar, with threonine, which is neutral and polar, at codon 317 of the CDCA7 protein (p.Ile317Thr). This variant is not present in population databases (gnomAD no frequency). This variant has not been reported in the literature in individuals affected with CDCA7-related conditions. ClinVar contains an entry for this variant (Variation ID: 1392007). Algorithms developed to predict the effect of missense changes on protein structure and function are either unavailable or do not agree on the potential impact of this missense change (SIFT: "Deleterious"; PolyPhen-2: "Benign"; Align-GVGD: "Class C25"). In summary, the available evidence is currently insufficient to determine the role of this variant in disease. Therefore, it has been classified as a Variant of Uncertain Significance.